The following is an entry in ClinVar:

ClinVar aggregate classification (germline): Uncertain significance. Review status: criteria provided, multiple submitters, no conflicts (2 of 4 stars). 2 submissions from 2 submitters: Uncertain significance (2). Last evaluated 2024-03-07.

Conditions:
Cardiomyopathy (CMYO). Also called: Cardiomyopathies. Identifiers: Orphanet 167848, MedGen C0878544, MONDO:0004994, HP:0001638. Inheritance: Various modes of inheritance.

Allele frequency attached by ClinVar (database versions not stated): TOPMed 0.00001; gnomAD 0.00001; gnomAD exomes 0.00001.
gnomAD v4.1: 18 of 1,613,930 alleles (0.0011%); highest among the groups gnomAD compares: Non-Finnish European, 0.0014%; no homozygotes.

Submissions (2):

Color Diagnostics, LLC DBA Color Health
Classification: Uncertain significance for Cardiomyopathy. Last evaluated: 2024-03-07. Review status: criteria provided, single submitter. Criteria: ACMG Guidelines, 2015. Collection method: clinical testing. Allele origin: germline.
Comment: This missense variant replaces serine with asparagine at codon 1712 of the RYR2 protein. Computational prediction suggests that this variant may not impact protein structure and function (internally defined REVEL score threshold <= 0.5, PMID: 27666373). To our knowledge, functional studies have not been reported for this variant. This variant has not been reported in individuals affected with cardiovascular disorders in the literature. This variant has not been identified in the general population by the Genome Aggregation Database (gnomAD). The available evidence is insufficient to determine the role of this variant in disease conclusively. Therefore, this variant is classified as a Variant of Uncertain Significance.

Clinical Genetics Laboratory, Skane University Hospital Lund
Classification: Uncertain significance. Last evaluated: 2023-06-19. Review status: criteria provided, single submitter. Criteria: ACMG Guidelines, 2015. Collection method: clinical testing. Allele origin: germline. Affected: yes.

NM_001035.3(RYR2):c.5135G>A (p.Ser1712Asn)

Gene: RYR2 (ryanodine receptor 2; plus strand). Cytogenetic location: 1q43.
Variant type: single nucleotide variant.
Coding change: c.5135G>A on transcript NM_001035.3 (MANE Select); coding-DNA position 5135, G replaced by A.
Protein change: p.Ser1712Asn; replaces serine 1712 with asparagine.
Molecular consequence: missense variant.
Genome position (GRCh38, 1-based): chr1:237,614,263, G>A. VCF-style: chr1-237614263-G-A. GRCh37 (hg19) VCF-style: chr1-237777563-G-A.
Other names: short protein forms S1712N.
Identifiers: ClinVar variation 923006 (VCV000923006.5), dbSNP rs1484043877, ClinGen allele CA345404091.